The following is an entry in ClinVar:

ClinVar aggregate classification (germline): Uncertain significance (1 of 4 stars; one submission).

Submission:

CeGaT Center for Human Genetics Tuebingen
Classification: Uncertain significance. Last evaluated: 2024-08-01. Review status: criteria provided, single submitter. Criteria: CeGaT Center For Human Genetics Tuebingen Variant Classification Criteria Version 2. Collection method: clinical testing. Allele origin: germline. Affected: yes. Observed: 1 variant allele.
Comment: MYH2: PM2, PP3

NM_017534.6(MYH2):c.488A>G (p.Tyr163Cys)

Genes: MYH2 (myosin heavy chain 2; minus strand), MYHAS (myosin heavy chain gene cluster antisense RNA; plus strand). Cytogenetic location: 17p13.1.
Variant type: single nucleotide variant.
Coding change: c.488A>G on transcript NM_017534.6 (MANE Select); coding-DNA position 488, A replaced by G.
Protein change: p.Tyr163Cys; replaces tyrosine 163 with cysteine.
Molecular consequence: missense variant.
Genome position (GRCh38, 1-based): chr17:10,545,363, T>C on the plus strand (A>G on the coding strand, the complement: MYH2 is on the minus strand). VCF-style: chr17-10545363-T-C. GRCh37 (hg19) VCF-style: chr17-10448680-T-C.
Other names: c.488A>G, p.Tyr163Cys (NM_001100112.2); short protein forms Y163C.
Identifiers: ClinVar variation 3341742 (VCV003341742.16).
Genomic context (GRCh38, chr17:10,545,363, plus strand): 5'-GCTCTAAAGGTTTACGCACTTGCAAAGCATTCGGCTCACTCACCAGTCAGCATGAACTGA[T>C]AGGCGTTGTCAGAGATGGAGAAGATGTGGGGCGGGGCCTCCTGGCGCTTTTTGCCTCGGT-3'
Protein context (NP_060004.3, residues 153-173): PHIFSISDNA[Tyr163Cys]QFMLTDRENQ